The following is an entry in ClinVar:

ClinVar aggregate classification (germline): Benign/Likely benign. Review status: criteria provided, multiple submitters, no conflicts (2 of 4 stars). 3 submissions from 3 submitters: Benign (1); Likely benign (2). Last evaluated 2024-09-12.

Conditions:
Hereditary cancer-predisposing syndrome. Also called: Neoplastic Syndromes, Hereditary; Hereditary neoplastic syndrome; Tumor predisposition; Hereditary Cancer Syndrome. Identifiers: Orphanet 140162, MedGen C0027672, MeSH D009386, MONDO:0015356.
Hereditary diffuse gastric adenocarcinoma (HDGC). Also called: DIFFUSE GASTRIC AND LOBULAR BREAST CANCER SYNDROME. Identifiers: Orphanet 26106, MedGen C1708349, MONDO:0007648, OMIM 137215.

Submissions (3):

Myriad Genetics, Inc.
Classification: Benign for Hereditary diffuse gastric adenocarcinoma. Last evaluated: 2024-09-12. Review status: criteria provided, single submitter. Criteria: Myriad Autosomal Dominant, Autosomal Recessive and X-Linked Classification Criteria (2023). Collection method: clinical testing. Allele origin: unknown.
Comment: This variant is considered benign. This variant is a silent/synonymous amino acid change and it is not expected to impact splicing.

Labcorp Genetics (formerly Invitae), Labcorp
Classification: Likely benign for Hereditary diffuse gastric adenocarcinoma. Last evaluated: 2021-12-07. Review status: criteria provided, single submitter. Criteria: Invitae Variant Classification Sherloc (09022015). Collection method: clinical testing. Allele origin: germline.

Ambry Genetics
Classification: Likely benign for Hereditary cancer-predisposing syndrome. Last evaluated: 2018-05-21. Review status: criteria provided, single submitter. Criteria: Ambry Variant Classification Scheme 2023. Collection method: clinical testing. Allele origin: germline.

NM_004360.5(CDH1):c.246G>A (p.Val82=)

Gene: CDH1 (cadherin 1; plus strand). Cytogenetic location: 16q22.1.
Variant type: single nucleotide variant.
Coding change: c.246G>A on transcript NM_004360.5 (MANE Select); coding-DNA position 246, G replaced by A.
Protein change: p.Val82=; no amino-acid change (valine 82 retained).
Molecular consequence: synonymous variant. On other transcripts: 5 prime UTR variant (2).
Genome position (GRCh38, 1-based): chr16:68,801,752, G>A. VCF-style: chr16-68801752-G-A. GRCh37 (hg19) VCF-style: chr16-68835655-G-A.
Other names: c.246G>A, p.Val82= (NM_001317184.2); c.-1370G>A (NM_001317185.2); c.-1574G>A (NM_001317186.2).
Identifiers: ClinVar variation 793728 (VCV000793728.12), dbSNP rs1597884733, ClinGen allele CA496152637.